The following is an entry in ClinVar:

ClinVar aggregate classification (germline): Uncertain significance. Review status: criteria provided, multiple submitters, no conflicts (2 of 4 stars). 3 submissions from 3 submitters: Uncertain significance (3). Last evaluated 2025-08-18.

Conditions:
Bardet-Biedl syndrome (BBS). Identifiers: Orphanet 110, MedGen C0752166, MONDO:0015229.
Bardet-Biedl syndrome 9 (BBS9). Identifiers: Orphanet 110, MedGen C1859567, MONDO:0014437, OMIM 615986.
Inborn genetic diseases. Identifiers: MedGen C0950123, MeSH D030342.

Allele frequency attached by ClinVar (database versions not stated): TOPMed below 0.00001; gnomAD 0.00001; gnomAD exomes 0.00001.

Submissions (3):

Labcorp Genetics (formerly Invitae), Labcorp
Classification: Uncertain significance for Bardet-Biedl syndrome. Last evaluated: 2025-08-18. Review status: criteria provided, single submitter. Criteria: Invitae Variant Classification Sherloc (09022015). Collection method: clinical testing. Allele origin: germline.
Comment: This sequence change replaces valine, which is neutral and non-polar, with isoleucine, which is neutral and non-polar, at codon 383 of the BBS9 protein (p.Val383Ile). This variant is present in population databases (no rsID available, gnomAD 0.003%). This variant has not been reported in the literature in individuals affected with BBS9-related conditions. ClinVar contains an entry for this variant (Variation ID: 967273). Invitae Evidence Modeling of protein sequence and biophysical properties (such as structural, functional, and spatial information, amino acid conservation, physicochemical variation, residue mobility, and thermodynamic stability) indicates that this missense variant is not expected to disrupt BBS9 protein function with a negative predictive value of 80%. In summary, the available evidence is currently insufficient to determine the role of this variant in disease. Therefore, it has been classified as a Variant of Uncertain Significance.

Ambry Genetics
Classification: Uncertain significance for Inborn genetic diseases. Last evaluated: 2024-08-05. Review status: criteria provided, single submitter. Criteria: Ambry Variant Classification Scheme 2023. Collection method: clinical testing. Allele origin: germline.

Fulgent Genetics
Classification: Uncertain significance for Bardet-Biedl syndrome 9. Last evaluated: 2022-01-08. Review status: criteria provided, single submitter. Criteria: ACMG Guidelines, 2015. Collection method: clinical testing. Allele origin: unknown.

NM_198428.3(BBS9):c.1147G>A (p.Val383Ile)

Gene: BBS9 (Bardet-Biedl syndrome 9; plus strand). Cytogenetic location: 7p14.3.
Variant type: single nucleotide variant.
Coding change: c.1147G>A on transcript NM_198428.3 (MANE Select); coding-DNA position 1147, G replaced by A.
Protein change: p.Val383Ile; replaces valine 383 with isoleucine.
Molecular consequence: missense variant. On other transcripts: non-coding transcript variant (3).
Genome position (GRCh38, 1-based): chr7:33,336,571, G>A. VCF-style: chr7-33336571-G-A. GRCh37 (hg19) VCF-style: chr7-33376183-G-A.
Other names: c.1147G>A, p.Val383Ile (NM_001033604.2, NM_001033605.2, NM_001348036.1 and 5 more transcripts); c.781G>A, p.Val261Ile (NM_001348037.3, NM_001348044.3, NM_001348045.3 and 1 more transcripts); c.874G>A, p.Val292Ile (NM_001348038.3, NM_001348039.3); c.1012G>A, p.Val338Ile (NM_001348042.3); short protein forms V261I, V338I, V292I, V383I.
Identifiers: ClinVar variation 967273 (VCV000967273.10), dbSNP rs1030973947, ClinGen allele CA156726917.